The following is an entry in ClinVar:

ClinVar aggregate classification (germline): Likely benign (1 of 4 stars; one submission).

Allele frequency attached by ClinVar (database versions not stated): ExAC 0.00005; gnomAD exomes 0.00008; ESP Exome Variant Server 0.00009; gnomAD 0.00014; TOPMed 0.00023.
gnomAD v4.1: 107 of 1,210,635 alleles (0.0088%); highest among the groups gnomAD compares: Non-Finnish European, 0.012%; 1 homozygote.

Submission:

CeGaT Center for Human Genetics Tuebingen
Classification: Likely benign. Last evaluated: 2022-03-01. Review status: criteria provided, single submitter. Criteria: CeGaT Center For Human Genetics Tuebingen Variant Classification Criteria Version 2. Collection method: clinical testing. Allele origin: germline. Affected: yes. Observed: 1 variant allele.
Comment: XPNPEP2: BP4, BP7

NM_003399.6(XPNPEP2):c.543G>T (p.Val181=)

Gene: XPNPEP2 (X-prolyl aminopeptidase 2; plus strand). Cytogenetic location: Xq26.1.
Variant type: single nucleotide variant.
Coding change: c.543G>T on transcript NM_003399.6 (MANE Select); coding-DNA position 543, G replaced by T.
Protein change: p.Val181=; no amino-acid change (valine 181 retained).
Molecular consequence: synonymous variant.
Genome position (GRCh38, 1-based): chrX:129,747,659, G>T. VCF-style: chrX-129747659-G-T. GRCh37 (hg19) VCF-style: chrX-128881635-G-T.
Identifiers: ClinVar variation 2661396 (VCV002661396.24), dbSNP rs144619324, ClinGen allele CA10512698.